The following is an entry in ClinVar:

ClinVar aggregate classification (germline): Benign/Likely benign. Review status: criteria provided, multiple submitters, no conflicts (2 of 4 stars). 4 submissions from 4 submitters: Benign (1); Likely benign (3). Last evaluated 2025-12-06.

Allele frequency attached by ClinVar (database versions not stated): gnomAD 0.00003 and 0.00004; gnomAD exomes 0.00003 and 0.00010; TOPMed 0.00003; ExAC 0.00009; 1000 Genomes Project 30x 0.00016; 1000 Genomes Project 0.00020.
gnomAD v4.1: 49 of 1,613,786 alleles (0.003%); highest among the groups gnomAD compares: East Asian, 0.053%; no homozygotes.

Submissions (4):

Labcorp Genetics (formerly Invitae), Labcorp
Classification: Benign. Last evaluated: 2025-12-06. Review status: criteria provided, single submitter. Criteria: Invitae Variant Classification Sherloc (09022015). Collection method: clinical testing. Allele origin: germline.

Blueprint Genetics
Classification: Likely benign. Last evaluated: 2023-02-27. Review status: criteria provided, single submitter. Criteria: ACMG Guidelines, 2015. Collection method: clinical testing. Allele origin: germline.

GeneDx
Classification: Likely benign. Last evaluated: 2020-12-04. Review status: criteria provided, single submitter. Criteria: GeneDx Variant Classification Process June 2021. Collection method: clinical testing. Allele origin: germline. Affected: yes.
Comment: See Variant Classification Assertion Criteria.

PreventionGenetics, part of Exact Sciences
Classification: Likely benign. Review status: criteria provided, single submitter. Criteria: ACMG Guidelines, 2015. Collection method: clinical testing. Allele origin: germline.

NM_002473.6(MYH9):c.5817C>T (p.Ala1939=)

Gene: MYH9 (myosin heavy chain 9; minus strand). Cytogenetic location: 22q12.3.
Variant type: single nucleotide variant.
Coding change: c.5817C>T on transcript NM_002473.6 (MANE Select); coding-DNA position 5817, C replaced by T.
Protein change: p.Ala1939=; no amino-acid change (alanine 1939 retained).
Molecular consequence: synonymous variant.
Genome position (GRCh38, 1-based): chr22:36,282,734, G>A on the plus strand (C>T on the coding strand, the complement: MYH9 is on the minus strand). VCF-style: chr22-36282734-G-A. GRCh37 (hg19) VCF-style: chr22-36678780-G-A.
Identifiers: ClinVar variation 258761 (VCV000258761.8), dbSNP rs537608045, ClinGen allele CA10208898.